The following is an entry in ClinVar:

ClinVar aggregate classification (germline): Uncertain significance (1 of 4 stars; one submission).

gnomAD v4.1: 2 of 1,614,060 alleles (0.00012%); highest among the groups gnomAD compares: African/African-American, 0.0013%; no homozygotes.

Submission:

Labcorp Genetics (formerly Invitae), Labcorp
Classification: Uncertain significance. Last evaluated: 2025-12-01. Review status: criteria provided, single submitter. Criteria: Invitae Variant Classification Sherloc (09022015). Collection method: clinical testing. Allele origin: germline.
Comment: This sequence change replaces arginine, which is basic and polar, with glutamine, which is neutral and polar, at codon 121 of the TUBB3 protein (p.Arg121Gln). This variant is not present in population databases (gnomAD no frequency). This variant has not been reported in the literature in individuals affected with TUBB3-related conditions. Invitae Evidence Modeling of protein sequence and biophysical properties (such as structural, functional, and spatial information, amino acid conservation, physicochemical variation, residue mobility, and thermodynamic stability) indicates that this missense variant is expected to disrupt TUBB3 protein function with a positive predictive value of 80%. In summary, the available evidence is currently insufficient to determine the role of this variant in disease. Therefore, it has been classified as a Variant of Uncertain Significance.

NM_006086.4(TUBB3):c.362G>A (p.Arg121Gln)

Gene: TUBB3 (tubulin beta 3 class III; plus strand). Cytogenetic location: 16q24.3.
Variant type: single nucleotide variant.
Coding change: c.362G>A on transcript NM_006086.4 (MANE Select); coding-DNA position 362, G replaced by A.
Protein change: p.Arg121Gln; replaces arginine 121 with glutamine.
Molecular consequence: missense variant.
Genome position (GRCh38, 1-based): chr16:89,934,813, G>A. VCF-style: chr16-89934813-G-A. GRCh37 (hg19) VCF-style: chr16-90001221-G-A.
Other names: c.146G>A, p.Arg49Gln (NM_001197181.2); short protein forms R121Q, R49Q.
Identifiers: ClinVar variation 4696913 (VCV004696913.1).